The following is an entry in ClinVar:

NM_007123.6(USH2A):c.4510dup (p.Arg1504fs)

Gene: USH2A (usherin; minus strand). Cytogenetic location: 1q41.
Variant type: Duplication.
Coding change: c.4510dup on transcript NM_007123.6; coding-DNA position 4510, one base duplicated (A; older notation c.4510dupA).
Protein change: p.Arg1504fs; shifts the reading frame from arginine 1504.
Genome position (GRCh38, 1-based): chr1:216,175,369, T duplicated on the plus strand (A on the coding strand, the reverse complement: USH2A is on the minus strand); the first of 3 consecutive T bases (chr1:216,175,369-216,175,371); duplicating any one gives the same sequence. VCF-style (leftmost placement, unchanged base first): chr1-216175368-C-CT. GRCh37 (hg19) VCF-style: chr1-216348710-C-CT.
Other names: NM_206933.2(USH2A):c.4510dupA; p.Arg1504LysfsX26; c.4510dup (NM_206933.2); c.4510dup, p.Arg1504fs (NM_206933.4); short protein forms R1504fs.
Identifiers: ClinVar variation 166504 (VCV000166504.35), dbSNP rs727503731, ClinGen allele CA273289.
Genomic context (GRCh38, chr1:216,175,368, plus strand): 5'-CCTATGAAACGGATTCCTTTCATCATCGTGGTCATCAGAGCTGGTAGAGATGACTCTCTC[C>CT]TTTCCAGCTGATATATAGGAGAGGGTCCATTCAGTTCTTCAGGTGGAAACCACCTAAGAT-3'

ClinVar aggregate classification (germline): Pathogenic. Review status: reviewed by expert panel (3 of 4 stars). 14 submissions from 13 submitters: Pathogenic (1). 13 of the submissions do not count toward it. Last evaluated 2018-09-10.

Conditions:
Rare genetic deafness. Identifiers: Orphanet 96210, MedGen C5680250.
Usher syndrome. Also called: Usher Syndromes; Usher's syndrome. Identifiers: Orphanet 886, MedGen CN469326, MeSH D052245, MONDO:0019501. Disease mechanism: loss of function.
USH2A-related disorder. Also called: USH2A-related condition; USH2A-related disorders. Identifiers: MedGen CN239332.
Retinitis pigmentosa 39 (RP39). Identifiers: Orphanet 791, MedGen C3151138, MONDO:0013436, OMIM 613809.
Usher syndrome type 2A. Also called: RETINAL DISEASE IN USHER SYNDROME TYPE IIA, MODIFIER OF; USHER SYNDROME, TYPE IIA. Identifiers: Orphanet 231178, Orphanet 886, MedGen C1848634, MONDO:0010169, OMIM 276901.
Retinitis pigmentosa (RP). Identifiers: Orphanet 791, MedGen C0035334, MeSH D012174, MONDO:0019200, OMIM 268000. Inheritance: Autosomal dominant, autosomal recessive and X linked inheritance.

Submissions (14):

ClinGen Hearing Loss Variant Curation Expert Panel
Classification: Pathogenic for Usher syndrome. Last evaluated: 2018-09-10. Review status: reviewed by expert panel. Criteria: ClinGen HL ACMG Specifications v1. Collection method: curation. Allele origin: germline. Inheritance: Autosomal recessive inheritance.
Comment: The c.4510dupA (p.Arg1504LysX26) variant in USH2A is predicted to cause a premature stop codon in biologically-relevant-exon 21/72 that leads to a truncated or absent protein in a gene in which loss-of-function is an established mechanism (PVS1). This variant has been detected in 2 patients with hearing loss in trans with 2 different pathogenic variants (PM3_S; PMID:22135276). The allele frequency of the p.Arg1504LysX26 variant in the USH2A gene is 0.003% (3/111138) of European chromosomes by the Genome Aggregation Database, which is a low enough frequency to award PM2 based on the thresholds defined by the ClinGen Hearing Loss Expert Panel for autosomal recessive hearing loss (PM2). At least one patient with a variant in this gene displayed features of retinitis pigmentosa (PP4; PMID: 22135276). In summary, this variant meets criteria to be classified as pathogenic for autosomal recessive Usher syndrome based on the ACMG/AMP criteria applied, as specified by the Hearing Loss Expert Panel: PVS1, PM3_S, PM2, PP4.

PreventionGenetics, part of Exact Sciences
Classification: Pathogenic for USH2A-related condition. Last evaluated: 2026-04-21. Review status: criteria provided, single submitter. Criteria: ACMG Guidelines, 2015. Collection method: clinical testing. Allele origin: germline. Not counted in ClinVar's aggregate classification.
Comment: The USH2A c.4510dupA variant is predicted to result in a frameshift and premature protein termination (p.Arg1504Lysfs*26). This variant has been reported in several individuals with Usher syndrome (Weston et al. 2000. PubMed ID: 10729113; Table S1, Lin et al. 2024. PubMed ID: 38219857; Seyedahmadi et al. 2004. PubMed ID: 15325563; Le Quesne Stabej et al. 2011. PubMed ID: 22135276). This variant is reported in 0.0027% of alleles in individuals of European (non-Finnish) descent in gnomAD. This variant is interpreted as pathogenic by the ClinGen Hearing Loss Variant Curation Expert Panel (Variation ID: 166504). Frameshift variants in USH2A are expected to be pathogenic. This variant is interpreted as pathogenic.

Labcorp Genetics (formerly Invitae), Labcorp
Classification: Pathogenic. Last evaluated: 2025-09-02. Review status: criteria provided, single submitter. Criteria: Invitae Variant Classification Sherloc (09022015). Collection method: clinical testing. Allele origin: germline. Not counted in ClinVar's aggregate classification.
Comment: This sequence change creates a premature translational stop signal (p.Arg1504Lysfs*26) in the USH2A gene. It is expected to result in an absent or disrupted protein product. Loss-of-function variants in USH2A are known to be pathogenic (PMID: 10729113, 10909849, 20507924, 25649381). This variant is present in population databases (rs727503731, gnomAD 0.003%). This premature translational stop signal has been observed in individuals with Usher syndrome (PMID: 10729113, 15325563, 22135276). ClinVar contains an entry for this variant (Variation ID: 166504). For these reasons, this variant has been classified as Pathogenic.

Natera, Inc.
Classification: Pathogenic for Usher syndrome type 2A. Last evaluated: 2024-11-11. Review status: criteria provided, single submitter. Criteria: Natera Variant Classification Schema (03/2026). Collection method: clinical testing. Allele origin: germline. Not counted in ClinVar's aggregate classification.
Comment: The c.4510dupA variant in USH2A is a frameshift variant predicted to shift the reading frame beginning at codon 1504 and leads to a stop codon 26 codons downstream. This variant is expected to result in nonsense mediated decay, truncation, or a dysfunctional protein product. This variant is rare in the general population with a frequency below the threshold expected for the associated phenotype(s). This variant has been observed in one or more individuals affected with the associated recessive disease, as either homozygous or compound heterozygous with a second variant (PMID: 22135276). Given the available evidence, this variant is classified as Pathogenic.

Fulgent Genetics
Classification: Pathogenic for Usher syndrome type 2A; Retinitis pigmentosa 39. Last evaluated: 2024-04-29. Review status: criteria provided, single submitter. Criteria: ACMG Guidelines, 2015. Collection method: clinical testing. Allele origin: germline. Not counted in ClinVar's aggregate classification.

Baylor Genetics
Classification: Pathogenic for Retinitis pigmentosa 39. Last evaluated: 2024-03-25. Review status: criteria provided, single submitter. Criteria: ACMG Guidelines, 2015. Collection method: clinical testing. Allele origin: unknown. Not counted in ClinVar's aggregate classification.

GeneDx
Classification: Pathogenic. Last evaluated: 2022-06-03. Review status: criteria provided, single submitter. Criteria: GeneDx Variant Classification Process June 2021. Collection method: clinical testing. Allele origin: germline. Affected: yes. Not counted in ClinVar's aggregate classification.
Comment: Observed with a pathogenic variant in an unrelated patient in published literature, but it is not known whether the variants occurred on the same (in cis) or on different (in trans) chromosomes (Carss et al., 2017); Frameshift variant predicted to result in protein truncation or nonsense mediated decay in a gene for which loss-of-function is a known mechanism of disease; Not observed at a significant frequency in large population cohorts (gnomAD); Classified as pathogenic by the ClinGen Hearing Loss Expert Panel (ClinVar SCV000840511.3; Oza et al., 2018); This variant is associated with the following publications: (PMID: 22135276, 10729113, 15325563, 18641288, 28041643, 31980526, 32581362, 32037395)

Blueprint Genetics
Classification: Pathogenic for USH2A-related disorders. Last evaluated: 2021-09-16. Review status: criteria provided, single submitter. Criteria: ACMG Guidelines, 2015. Collection method: clinical testing. Allele origin: germline. Affected: yes. Observed: 5 variant alleles. Not counted in ClinVar's aggregate classification.

Broad Center for Mendelian Genomics, Broad Institute of MIT and Harvard
Classification: Pathogenic for Retinitis pigmentosa. Last evaluated: 2021-04-01. Review status: criteria provided, single submitter. Criteria: ACMG Guidelines, 2015. Collection method: curation. Allele origin: germline. Inheritance: Autosomal recessive inheritance. Affected: yes. Not counted in ClinVar's aggregate classification.
Comment: Through a review of available evidence we were able to apply the following criteria: PVS1, PM2, PM3, PP3, PP4. Based on this evidence we have classified this variant as Pathogenic. If you have any questions about the classification please reach out to the Pierce Lab.

Eurofins Ntd Llc (ga)
Classification: Pathogenic. Last evaluated: 2015-12-01. Review status: criteria provided, single submitter. Criteria: EGL Classification Definitions. Collection method: clinical testing. Allele origin: germline. Observed: 1 variant allele, 1 heterozygote. Not counted in ClinVar's aggregate classification.

Laboratory for Molecular Medicine, Mass General Brigham Personalized Medicine
Classification: Pathogenic for Rare genetic deafness. Last evaluated: 2013-04-10. Review status: criteria provided, single submitter. Criteria: LMM Criteria. Collection method: clinical testing. Allele origin: germline. Inheritance: Autosomal recessive inheritance. Observed: 4 variant alleles. Not counted in ClinVar's aggregate classification.
Comment: The Arg1504fs variant in USH2A has been reported in five individuals with Usher syndrome, of which at least three were compound heterozygous with a second patho genic USH2A variant (Weston 2000, Le Quesne Stabej 2012, Seyedahmadi 2004). This frameshift variant is predicted to alter the protein?s amino acid sequence begi nning at position 1504 and lead to a premature termination codon 26 amino acids downstream. This alteration is then predicted to lead to a truncated or absent p rotein. In summary, this variant meets our criteria to be classified as pathogen ic.

Counsyl
Classification: Pathogenic for Usher syndrome type 2A. Last evaluated: 2017-02-16. Review status: no assertion criteria provided. Collection method: clinical testing. Allele origin: unknown. Not counted in ClinVar's aggregate classification.

Counsyl
Classification: Pathogenic for Retinitis pigmentosa 39. Last evaluated: 2017-02-16. Review status: no assertion criteria provided. Collection method: clinical testing. Allele origin: unknown. Not counted in ClinVar's aggregate classification.

NIHR Bioresource Rare Diseases, University of Cambridge
Classification: Pathogenic for Retinitis pigmentosa. Last evaluated: 2015-01-01. Review status: no assertion criteria provided. Collection method: research. Allele origin: unknown. Affected: yes. Observed: 2 variant alleles. Not counted in ClinVar's aggregate classification.

Literature cited by the submitters: PubMed 22135276 (cited by 7 submitters); PubMed 10729113 (cited by 5 submitters); PubMed 10909849 (cited by Labcorp Genetics (formerly Invitae), Labcorp); PubMed 20507924 (cited by Labcorp Genetics (formerly Invitae), Labcorp); PubMed 25649381 (cited by Labcorp Genetics (formerly Invitae), Labcorp); PubMed 15325563 (cited by 4 submitters); PubMed 34906470 (cited by Broad Center for Mendelian Genomics, Broad Institute of MIT and Harvard); PubMed 28041643 (cited by NIHR Bioresource Rare Diseases, University of Cambridge).